The following is an entry in ClinVar:

NM_001042492.3(NF1):c.4430+1G>C

Gene: NF1 (neurofibromin 1; plus strand). Cytogenetic location: 17q11.2.
Variant type: single nucleotide variant.
Coding change: c.4430+1G>C on transcript NM_001042492.3 (MANE Select); the canonical splice donor site of the intron after coding-DNA position 4430, G replaced by C.
Molecular consequence: splice donor variant.
Genome position (GRCh38, 1-based): chr17:31,259,130, G>C. VCF-style: chr17-31259130-G-C. GRCh37 (hg19) VCF-style: chr17-29586148-G-C.
Other names: c.4367+1G>C (NM_000267.4).
Identifiers: ClinVar variation 547645 (VCV000547645.9), dbSNP rs773151680, ClinGen allele CA398999017.

ClinVar aggregate classification (germline): Pathogenic/Likely pathogenic. Review status: criteria provided, multiple submitters, no conflicts (2 of 4 stars). 3 submissions from 3 submitters: Pathogenic (2); Likely pathogenic (1). Last evaluated 2022-03-15.

Conditions:
Neurofibromatosis, type 1 (NF1). Also called: NEUROFIBROMATOSIS, TYPE I, SOMATIC; VON RECKLINGHAUSEN DISEASE; Peripheral type neurofibromatosis; Neurofibromatosis, type I. Identifiers: Orphanet 636, MedGen C0027831, MONDO:0018975, OMIM 162200. Disease mechanism: loss of function.

Submissions (3):

Genome-Nilou Lab
Classification: Pathogenic for Neurofibromatosis, type 1. Last evaluated: 2022-03-15. Review status: criteria provided, single submitter. Criteria: ACMG Guidelines, 2015. Collection method: clinical testing. Allele origin: germline. Affected: no.

Labcorp Genetics (formerly Invitae), Labcorp
Classification: Pathogenic for Neurofibromatosis, type 1. Last evaluated: 2019-05-08. Review status: criteria provided, single submitter. Criteria: Invitae Variant Classification Sherloc (09022015). Collection method: clinical testing. Allele origin: germline.
Comment: For these reasons, this variant has been classified as Pathogenic. Donor and acceptor splice site variants typically lead to a loss of protein function (PMID: 16199547), and loss-of-function variants in NF1 are known to be pathogenic (PMID: 10712197, 23913538). Experimental studies have shown that this variant disrupts mRNA splicing (PMID: 29952103). Disruption of this splice site has been observed in individuals affected with clinical features of neurofibromatosis type 1 (PMID: 29952103, 12807981, 25325900). This nucleotide is also referred to as c.4430+1 and IVS25+1 in the literature. ClinVar contains an entry for this variant (Variation ID: 547645). This variant is not present in population databases (ExAC no frequency). This sequence change affects a donor splice site in intron 32 of the NF1 gene. It is expected to disrupt RNA splicing and likely results in an absent or disrupted protein product.

Center for Human Genetics, Inc
Classification: Likely pathogenic for Neurofibromatosis, type 1. Last evaluated: 2016-11-01. Review status: criteria provided, single submitter. Criteria: ACMG Guidelines, 2015. Collection method: clinical testing. Allele origin: germline. Affected: yes.

Literature cited by the submitters: PubMed 16199547 (cited by Labcorp Genetics (formerly Invitae), Labcorp); PubMed 10712197 (cited by Labcorp Genetics (formerly Invitae), Labcorp); PubMed 23913538 (cited by Labcorp Genetics (formerly Invitae), Labcorp); PubMed 29952103 (cited by Labcorp Genetics (formerly Invitae), Labcorp); PubMed 12807981 (cited by Labcorp Genetics (formerly Invitae), Labcorp); PubMed 25325900 (cited by Labcorp Genetics (formerly Invitae), Labcorp).